The following continues an entry in ClinVar:

NM_021625.5(TRPV4):c.2459-9T>G

Gene: TRPV4. ClinVar aggregate classification (germline): Benign. Benign (15).

Submissions 24 to 35 of 35:

Dr. Peter K. Rogan Lab, Western University
No classification provided (evidence only). Condition: Uterine corpus endometrial carcinoma. Review status: no classification provided. Collection method: in vitro. Allele origin: not applicable. Functional consequence: retained intron. Not counted in ClinVar's aggregate classification.

Dr. Peter K. Rogan Lab, Western University
No classification provided (evidence only). Condition: Cervical cancer. Review status: no classification provided. Collection method: in vitro. Allele origin: not applicable. Functional consequence: retained intron. Not counted in ClinVar's aggregate classification.

Dr. Peter K. Rogan Lab, Western University
No classification provided (evidence only). Condition: Cervical cancer. Review status: no classification provided. Collection method: in vitro. Allele origin: not applicable. Functional consequence: retained intron. Not counted in ClinVar's aggregate classification.

Dr. Peter K. Rogan Lab, Western University
No classification provided (evidence only). Condition: Cervical cancer. Review status: no classification provided. Collection method: in vitro. Allele origin: not applicable. Functional consequence: retained intron. Not counted in ClinVar's aggregate classification.

Dr. Peter K. Rogan Lab, Western University
No classification provided (evidence only). Condition: Cervical cancer. Review status: no classification provided. Collection method: in vitro. Allele origin: not applicable. Functional consequence: retained intron. Not counted in ClinVar's aggregate classification.

Dr. Peter K. Rogan Lab, Western University
No classification provided (evidence only). Condition: Cholangiocarcinoma. Review status: no classification provided. Collection method: in vitro. Allele origin: not applicable. Functional consequence: retained intron. Not counted in ClinVar's aggregate classification.

Dr. Peter K. Rogan Lab, Western University
No classification provided (evidence only). Condition: Gastric cancer. Review status: no classification provided. Collection method: in vitro. Allele origin: not applicable. Functional consequence: retained intron. Not counted in ClinVar's aggregate classification.

Dr. Peter K. Rogan Lab, Western University
No classification provided (evidence only). Condition: Gastric cancer. Review status: no classification provided. Collection method: in vitro. Allele origin: not applicable. Functional consequence: retained intron. Not counted in ClinVar's aggregate classification.

Dr. Peter K. Rogan Lab, Western University
No classification provided (evidence only). Condition: Uterine carcinosarcoma. Review status: no classification provided. Collection method: in vitro. Allele origin: not applicable. Functional consequence: retained intron. Not counted in ClinVar's aggregate classification.

Dr. Peter K. Rogan Lab, Western University
No classification provided (evidence only). Condition: Malignant tumor of esophagus. Review status: no classification provided. Collection method: in vitro. Allele origin: not applicable. Functional consequence: retained intron. Not counted in ClinVar's aggregate classification.

Genome Diagnostics Laboratory, University Medical Center Utrecht
Classification: Likely benign. Review status: no assertion criteria provided. Collection method: clinical testing. Allele origin: germline. Affected: yes. Study: VKGL Data-share Consensus. Not counted in ClinVar's aggregate classification.

Joint Genome Diagnostic Labs from Nijmegen and Maastricht, Radboudumc and MUMC+
Classification: Benign. Review status: no assertion criteria provided. Collection method: clinical testing. Allele origin: germline. Affected: yes. Study: VKGL Data-share Consensus. Not counted in ClinVar's aggregate classification.